The following is an entry in ClinVar:

ClinVar aggregate classification (germline): Uncertain significance (1 of 4 stars; one submission).

Conditions:
Glycogen storage disease, type II (IOPD). Also called: Pompe Disease; CARDIOMEGALIA GLYCOGENICA DIFFUSA; GLYCOGENOSIS, GENERALIZED, CARDIAC FORM; GSD II; POMPE DISEASE, INFANTILE-ONSET; GLYCOGEN STORAGE DISEASE II, INFANTILE-ONSET. Identifiers: Orphanet 365, MedGen C0017921, MONDO:0009290, OMIM 232300.

Submission:

Genomenon, Inc
Classification: Uncertain significance for Glycogen storage disease, type II. Last evaluated: 2026-07-01. Review status: criteria provided, single submitter. Criteria: Genomenon Sequence Variant Interpretation Standards - Updated. Collection method: curation. Allele origin: germline. Affected: yes.
Comment: GAA p.Trp499Arg (c.1495T>A) is a missense variant that changes the amino acid at codon 499 from Tryptophan to Arginine. This variant has been observed in at least one proband with a GAA-related disorder in the compound heterozygous and/or homozygous state (PMID:25614309;18607768). It is absent or not present at a significant frequency in gnomAD. In silico models predict that this variant is possibly or probably damaging. In conclusion, we classify GAA p.Trp499Arg (c.1495T>A) as a variant of uncertain significance.

Literature cited by the submitters: PubMed 25614309; PubMed 18607768.

NM_000152.5(GAA):c.1495T>A (p.Trp499Arg)

Gene: GAA (alpha glucosidase; plus strand). Cytogenetic location: 17q25.3.
Variant type: single nucleotide variant.
Coding change: c.1495T>A on transcript NM_000152.5 (MANE Select); coding-DNA position 1495, T replaced by A.
Protein change: p.Trp499Arg; replaces tryptophan 499 with arginine.
Molecular consequence: missense variant.
Genome position (GRCh38, 1-based): chr17:80,110,784, T>A. VCF-style: chr17-80110784-T-A. GRCh37 (hg19) VCF-style: chr17-78084583-T-A.
Other names: c.1495T>A, p.Trp499Arg (NM_001079803.3, NM_001079804.3); short protein forms W499R.
Identifiers: ClinVar variation 4876312 (VCV004876312.1), dbSNP rs786204302.